The following is an entry in ClinVar:

ClinVar aggregate classification (germline): Likely benign. Review status: criteria provided, multiple submitters, no conflicts (2 of 4 stars). 2 submissions from 2 submitters: Likely benign (2). Last evaluated 2024-01-01.

Allele frequency attached by ClinVar (database versions not stated): gnomAD exomes below 0.00001.
gnomAD v4.1: 2 of 1,614,098 alleles (0.00012%); highest among the groups gnomAD compares: Non-Finnish European, 0.00017%; no homozygotes.

Submissions (2):

CeGaT Center for Human Genetics Tuebingen
Classification: Likely benign. Last evaluated: 2024-01-01. Review status: criteria provided, single submitter. Criteria: CeGaT Center For Human Genetics Tuebingen Variant Classification Criteria Version 2. Collection method: clinical testing. Allele origin: germline. Affected: yes. Observed: 3 variant alleles.
Comment: CLTC: PM2:Supporting, BP4, BP7

Labcorp Genetics (formerly Invitae), Labcorp
Classification: Likely benign. Last evaluated: 2023-09-09. Review status: criteria provided, single submitter. Criteria: Invitae Variant Classification Sherloc (09022015). Collection method: clinical testing. Allele origin: germline.

NM_004859.4(CLTC):c.3363G>T (p.Val1121=)

Gene: CLTC (clathrin heavy chain; plus strand). Cytogenetic location: 17q23.1.
Variant type: single nucleotide variant.
Coding change: c.3363G>T on transcript NM_004859.4 (MANE Select); coding-DNA position 3363, G replaced by T.
Protein change: p.Val1121=; no amino-acid change (valine 1121 retained).
Molecular consequence: synonymous variant.
Genome position (GRCh38, 1-based): chr17:59,681,760, G>T. VCF-style: chr17-59681760-G-T. GRCh37 (hg19) VCF-style: chr17-57759121-G-T.
Other names: c.3375G>T, p.Val1125= (NM_001288653.2).
Identifiers: ClinVar variation 2647988 (VCV002647988.27), dbSNP rs2509151664, ClinGen allele CA501093115.